The following is an entry in ClinVar:

ClinVar aggregate classification (germline): Likely pathogenic (1 of 4 stars; one submission).

Submission:

Labcorp Genetics (formerly Invitae), Labcorp
Classification: Likely pathogenic. Last evaluated: 2023-03-28. Review status: criteria provided, single submitter. Criteria: Invitae Variant Classification Sherloc (09022015). Collection method: clinical testing. Allele origin: germline.
Comment: In summary, the currently available evidence indicates that the variant is pathogenic, but additional data are needed to prove that conclusively. Therefore, this variant has been classified as Likely Pathogenic. Algorithms developed to predict the effect of sequence changes on RNA splicing suggest that this variant may disrupt the consensus splice site. This variant has not been reported in the literature in individuals affected with VPS13A-related conditions. This variant is not present in population databases (gnomAD no frequency). This sequence change affects a donor splice site in intron 47 of the VPS13A gene. It is expected to disrupt RNA splicing. Variants that disrupt the donor or acceptor splice site typically lead to a loss of protein function (PMID: 16199547), and loss-of-function variants in VPS13A are known to be pathogenic (PMID: 12404112, 21598378).

Literature cited by the submitters: PubMed 16199547; PubMed 12404112; PubMed 21598378.

NM_033305.3(VPS13A):c.6378+1G>A

Gene: VPS13A (vacuolar protein sorting 13 homolog A; plus strand). Cytogenetic location: 9q21.2.
Variant type: single nucleotide variant.
Coding change: c.6378+1G>A on transcript NM_033305.3 (MANE Select); the canonical splice donor site of the intron after coding-DNA position 6378, G replaced by A.
Molecular consequence: splice donor variant.
Genome position (GRCh38, 1-based): chr9:77,337,538, G>A. VCF-style: chr9-77337538-G-A. GRCh37 (hg19) VCF-style: chr9-79952454-G-A.
Other names: c.6261+1G>A (NM_001018037.2); c.6378+1G>A (NM_015186.4, NM_001018038.3).
Identifiers: ClinVar variation 2848417 (VCV002848417.3), dbSNP rs2538066395, ClinGen allele CA373849116.